The following is an entry in ClinVar:

NM_004972.4(JAK2):c.1694G>C (p.Arg565Thr)

Genes: INSL6 (insulin like 6; minus strand), JAK2 (Janus kinase 2; plus strand). Cytogenetic location: 9p24.1.
Variant type: single nucleotide variant.
Coding change: c.1694G>C on transcript NM_004972.4 (MANE Select); coding-DNA position 1694, G replaced by C.
Protein change: p.Arg565Thr; replaces arginine 565 with threonine.
Molecular consequence: missense variant. On other transcripts: non-coding transcript variant (2).
Genome position (GRCh38, 1-based): chr9:5,072,544, G>C. VCF-style: chr9-5072544-G-C. GRCh37 (hg19) VCF-style: chr9-5072544-G-C.
Other names: c.1694G>C, p.Arg565Thr (NM_001322194.2, NM_001322195.2, NM_001322196.2); c.479G>C, p.Arg160Thr (NM_001322198.2, NM_001322199.2); c.1247G>C, p.Arg416Thr (NM_001322204.2); short protein forms R160T, R416T, R565T.
Identifiers: ClinVar variation 1251934 (VCV001251934.1), dbSNP rs2130546358, ClinGen allele CA372826047.
Genomic context (GRCh38, chr9:5,072,544, plus strand): 5'-TCTTGAAGAATGAAAGCCTTGGCCAAGGCACTTTTACAAAGATTTTTAAAGGCGTACGAA[G>C]AGAAGTAGGAGACTACGGTCAACTGCATGAAACAGAAGTTCTTTTAAAAGTTCTGGATAA-3'
Protein context (NP_004963.1, residues 555-575): TFTKIFKGVR[Arg565Thr]EVGDYGQLHE

ClinVar aggregate classification (germline): Uncertain significance (1 of 4 stars; one submission).

Conditions:
Acquired polycythemia vera. Also called: Suspected polycythemia vera; Polycythemia vera, somatic; POLYCYTHEMIA RUBRA VERA. Identifiers: Orphanet 729, MedGen C0032463, MeSH D011087, MONDO:0009891, OMIM 263300.

Submission:

HudsonAlpha Institute for Biotechnology
Classification: Uncertain significance for Acquired polycythemia vera. Last evaluated: 2021-02-13. Review status: criteria provided, single submitter. Criteria: ACMG Guidelines, 2015. Collection method: research. Allele origin: unknown. Observed: 1 variant allele. Study: HudsonAlpha-AGHI-WGS.
Comment: ACMG codes:PM2